The following is an entry in ClinVar:

NM_000179.3(MSH6):c.173G>A (p.Arg58Lys)

Gene: MSH6 (mutS homolog 6; plus strand). Cytogenetic location: 2p16.3.
Variant type: single nucleotide variant.
Coding change: c.173G>A on transcript NM_000179.3 (MANE Select); coding-DNA position 173, G replaced by A.
Protein change: p.Arg58Lys; replaces arginine 58 with lysine.
Molecular consequence: missense variant. On other transcripts: 5 prime UTR variant (1).
Genome position (GRCh38, 1-based): chr2:47,783,406, G>A. VCF-style: chr2-47783406-G-A. GRCh37 (hg19) VCF-style: chr2-48010545-G-A.
Other names: c.173G>A, p.Arg58Lys (NM_001281492.2); c.-564G>A (NM_001281493.2); short protein forms R58K.
Identifiers: ClinVar variation 421518 (VCV000421518.15), dbSNP rs1064795187, ClinGen allele CA16617619.

ClinVar aggregate classification (germline): Uncertain significance. Review status: criteria provided, multiple submitters, no conflicts (2 of 4 stars). 4 submissions from 4 submitters: Uncertain significance (4). Last evaluated 2023-04-17.

Conditions:
Hereditary nonpolyposis colorectal neoplasms. Identifiers: MedGen C0009405, MeSH D003123.
Hereditary cancer-predisposing syndrome. Also called: Hereditary neoplastic syndrome; Neoplastic Syndromes, Hereditary; Tumor predisposition; Hereditary Cancer Syndrome. Identifiers: Orphanet 140162, MedGen C0027672, MeSH D009386, MONDO:0015356.

Allele frequency attached by ClinVar (database versions not stated): gnomAD exomes below 0.00001.
gnomAD v4.1: 2 of 1,532,920 alleles (0.00013%); highest among the groups gnomAD compares: South Asian, 0.0024%; 1 homozygote.

Submissions (4):

GeneDx
Classification: Uncertain significance. Last evaluated: 2023-04-17. Review status: criteria provided, single submitter. Criteria: GeneDx Variant Classification Process June 2021. Collection method: clinical testing. Allele origin: germline. Affected: yes.
Comment: Not observed at significant frequency in large population cohorts (gnomAD); In silico analysis supports that this missense variant does not alter protein structure/function; Has not been previously published as pathogenic or benign to our knowledge

Labcorp Genetics (formerly Invitae), Labcorp
Classification: Uncertain significance for Hereditary nonpolyposis colorectal neoplasms. Last evaluated: 2022-01-08. Review status: criteria provided, single submitter. Criteria: Invitae Variant Classification Sherloc (09022015). Collection method: clinical testing. Allele origin: germline.
Comment: In summary, the available evidence is currently insufficient to determine the role of this variant in disease. Therefore, it has been classified as a Variant of Uncertain Significance. Advanced modeling of protein sequence and biophysical properties (such as structural, functional, and spatial information, amino acid conservation, physicochemical variation, residue mobility, and thermodynamic stability) performed at Invitae indicates that this missense variant is not expected to disrupt MSH6 protein function. ClinVar contains an entry for this variant (Variation ID: 421518). This variant has not been reported in the literature in individuals affected with MSH6-related conditions. This variant is not present in population databases (gnomAD no frequency). This sequence change replaces arginine, which is basic and polar, with lysine, which is basic and polar, at codon 58 of the MSH6 protein (p.Arg58Lys).

Ambry Genetics
Classification: Uncertain significance for Hereditary cancer-predisposing syndrome. Last evaluated: 2018-04-18. Review status: criteria provided, single submitter. Criteria: Ambry Variant Classification Scheme 2023. Collection method: clinical testing. Allele origin: germline.
Comment: The p.R58K variant (also known as c.173G>A), located in coding exon 1 of the MSH6 gene, results from a G to A substitution at nucleotide position 173. The arginine at codon 58 is replaced by lysine, an amino acid with highly similar properties. This amino acid position is poorly conserved in available vertebrate species. In addition, this alteration is predicted to be tolerated by in silico analysis. In addition, the CoDP in silico tool predicts this alteration to have minor impact on molecular function, with a score of 0.000 (Terui H et al. J. Biomed. Sci. 2013 Apr;20:25). Since supporting evidence is limited at this time, the clinical significance of this alteration remains unclear.

Women's Health and Genetics/Laboratory Corporation of America, LabCorp
Classification: Uncertain significance. Last evaluated: 2016-12-05. Review status: criteria provided, single submitter. Criteria: LabCorp Variant Classification Summary - May 2015. Collection method: clinical testing. Allele origin: germline.
Comment: Variant summary: The MSH6 c.173G>A (p.Arg58Lys) variant involves the alteration of a non-conserved nucleotide. 5/5 in silico tools predict a benign outcome for this variant . This variant is absent in 23366 control chromosomes. The variant of interest has not, to our knowledge, been reported in affected individuals via publications and/or reputable databases/clinical diagnostic laboratories; nor evaluated for functional impact by in vivo/vitro studies. Because of the absence of clinical information and the lack of functional studies, the variant is classified as a variant of uncertain significance (VUS) until additional information becomes available.